The following is an entry in ClinVar:

NM_181882.3(PRX):c.631G>A (p.Ala211Thr)

Gene: PRX (periaxin; minus strand). Cytogenetic location: 19q13.2.
Variant type: single nucleotide variant.
Coding change: c.631G>A on transcript NM_181882.3 (MANE Select); coding-DNA position 631, G replaced by A.
Protein change: p.Ala211Thr; replaces alanine 211 with threonine.
Molecular consequence: missense variant. On other transcripts: 3 prime UTR variant (1).
Genome position (GRCh38, 1-based): chr19:40,397,721, C>T on the plus strand (G>A on the coding strand, the complement: PRX is on the minus strand). VCF-style: chr19-40397721-C-T. GRCh37 (hg19) VCF-style: chr19-40903628-C-T.
Other names: c.*836G>A (NM_020956.2); short protein forms A211T.
Identifiers: ClinVar variation 805249 (VCV000805249.9), dbSNP rs112973322, ClinGen allele CA9444408.
Genomic context (GRCh38, chr19:40,397,721, plus strand): 5'-CTGTGAAACGAGCTCCTGCAGCCACCTCAGCCTCCACCTTGGCTTTCCTGGGGGGAGGAG[C>T]GGCGGCGGCCAGCCGGGCTGCCTGAGCCTCTTCGGCCACTTCTCGTACACGCAGCCGAGG-3'
Protein context (NP_870998.2, residues 201-221): EAQAARLAAA[Ala211Thr]PPPRKAKVEA

ClinVar aggregate classification (germline): Uncertain significance. Review status: criteria provided, multiple submitters, no conflicts (2 of 4 stars). 4 submissions from 4 submitters: Uncertain significance (4). Last evaluated 2023-07-18.

Conditions:
Charcot-Marie-Tooth disease type 4. Also called: Charcot-Marie-Tooth, Type 4; Charcot-Marie-Tooth disease, type IV. Identifiers: Orphanet 64749, MedGen C4082197, MONDO:0018995.
Inborn genetic diseases. Identifiers: MedGen C0950123, MeSH D030342.

Allele frequency attached by ClinVar (database versions not stated): ESP Exome Variant Server 0.00010; 1000 Genomes Project 0.00020; TOPMed 0.00027; 1000 Genomes Project 30x 0.00031.
gnomAD v4.1: 81 of 1,559,324 alleles (0.0052%); highest among the groups gnomAD compares: African/African-American, 0.087%; 1 homozygote.

Submissions (4):

Ambry Genetics
Classification: Uncertain significance for Inborn genetic diseases. Last evaluated: 2023-07-18. Review status: criteria provided, single submitter. Criteria: Ambry Variant Classification Scheme 2023. Collection method: clinical testing. Allele origin: germline.

Labcorp Genetics (formerly Invitae), Labcorp
Classification: Uncertain significance for Charcot-Marie-Tooth disease type 4. Last evaluated: 2022-03-20. Review status: criteria provided, single submitter. Criteria: Invitae Variant Classification Sherloc (09022015). Collection method: clinical testing. Allele origin: germline.
Comment: This sequence change replaces alanine, which is neutral and non-polar, with threonine, which is neutral and polar, at codon 211 of the PRX protein (p.Ala211Thr). This variant is present in population databases (rs112973322, gnomAD 0.04%). This variant has not been reported in the literature in individuals affected with PRX-related conditions. ClinVar contains an entry for this variant (Variation ID: 805249). Algorithms developed to predict the effect of missense changes on protein structure and function are either unavailable or do not agree on the potential impact of this missense change (SIFT: "Tolerated"; PolyPhen-2: "Possibly Damaging"; Align-GVGD: "Class C0"). In summary, the available evidence is currently insufficient to determine the role of this variant in disease. Therefore, it has been classified as a Variant of Uncertain Significance.

GeneDx
Classification: Uncertain significance. Last evaluated: 2019-12-05. Review status: criteria provided, single submitter. Criteria: GeneDx Variant Classification Process June 2021. Collection method: clinical testing. Allele origin: germline. Affected: yes.
Comment: In silico analysis, which includes protein predictors and evolutionary conservation, supports that this variant does not alter protein structure/function

Athena Diagnostics
Classification: Uncertain significance. Last evaluated: 2019-06-21. Review status: criteria provided, single submitter. Criteria: Athena Diagnostics Criteria. Collection method: clinical testing. Allele origin: germline.